The following is an entry in ClinVar:

ClinVar aggregate classification (germline): Pathogenic. Review status: reviewed by expert panel (3 of 4 stars). 11 submissions from 11 submitters: Pathogenic (1). 10 of the submissions do not count toward it. Last evaluated 2019-12-22.

Conditions:
Inborn genetic diseases. Identifiers: MedGen C0950123, MeSH D030342.
Phenylketonuria (PKU). Also called: OLIGOPHRENIA PHENYLPYRUVICA; FOLLING DISEASE; Phenylketonuria (PKU); Phenylketonurias. Identifiers: Orphanet 716, MedGen C0031485, MONDO:0009861, OMIM 261600. Disease mechanism: loss of function.

Allele frequency attached by ClinVar (database versions not stated): gnomAD 0.00003; TOPMed 0.00003; gnomAD exomes 0.00008; ExAC 0.00012.
gnomAD v4.1: 72 of 1,613,436 alleles (0.0045%); highest among the groups gnomAD compares: Non-Finnish European, 0.0056%; no homozygotes.

Submissions (11):

ClinGen PAH Variant Curation Expert Panel
Classification: Pathogenic for Phenylketonuria. Last evaluated: 2019-12-22. Review status: reviewed by expert panel. Criteria: ClinGen PAH ACMG Specifications v1. Collection method: curation. Allele origin: germline. Inheritance: Autosomal recessive inheritance.
Comment: The PAH variant c.136G>A (p.Gly46Ser) was detected in four alleles associated with moderate PKU (phenylalanine values of 900-1200 micromol/L). Patients included in the study had serum phenylalanine levels above 150 micromol/L and normal urinary excretion of biopterin and neopterin (PMID: 7556322). The variant c.136G>A (p.Gly46Ser) was documented in trans with seven other PAH pathogenic or likely pathogenic variants in 15 Norwegian patients with mild and classic PKU. Haplotype analysis of index cases and parents was conducted, when necessary siblings were also investigated (PMID: 8829656). PM3_Very Strong (14 points). In vitro, enzyme activity assays demonstrated a residual activity for the PAH variant c.136G>A (p.Gly46Ser) between 26% and 38% compared to the wild type PAH when using the mammalian cell-free transcription-translation system (PMID: 11161839). According to gnomAD, this variant is present at a low allele frequency in population databases, with the highest reported frequency in the European (Non-Finnish) population (0.00015). In silico modeling, predictions are conflicting. According to SIFT this variant is predicted to be tolerated, probably damaging by Polyphen 2-HVAR and disease-causing Automatic by Mutation Taster. In summary, this variant meets the criteria to be classified as pathogenic for PAH. PAH-specific ACMG/AMP criteria applied: PM2, PM3_Very Strong, PP4 met_moderate, and PS3.

Labcorp Genetics (formerly Invitae), Labcorp
Classification: Pathogenic for Phenylketonuria. Last evaluated: 2025-12-09. Review status: criteria provided, single submitter. Criteria: Invitae Variant Classification Sherloc (09022015). Collection method: clinical testing. Allele origin: germline. Not counted in ClinVar's aggregate classification.
Comment: This sequence change replaces glycine, which is neutral and non-polar, with serine, which is neutral and polar, at codon 46 of the PAH protein (p.Gly46Ser). This variant is present in population databases (rs74603784, gnomAD 0.02%). This missense change has been observed in individuals with PAH-related conditions (PMID: 7556322, 9634518, 23500595, 26210745). ClinVar contains an entry for this variant (Variation ID: 629). Invitae Evidence Modeling of protein sequence and biophysical properties (such as structural, functional, and spatial information, amino acid conservation, physicochemical variation, residue mobility, and thermodynamic stability) indicates that this missense variant is not expected to disrupt PAH protein function with a negative predictive value of 80%. Experimental studies have shown that this missense change affects PAH function (PMID: 8829656, 11326337, 20937381, 21953985, 23500595, 28174686). For these reasons, this variant has been classified as Pathogenic.

Mayo Clinic Laboratories, Mayo Clinic
Classification: Pathogenic. Last evaluated: 2025-07-16. Review status: criteria provided, single submitter. Criteria: ACMG Guidelines, 2015. Collection method: clinical testing. Allele origin: germline. Observed: 1 variant allele. Not counted in ClinVar's aggregate classification.
Comment: PP3_moderate, PP4_moderate, PM2_supporting, PM3_very_strong, PS3

Dasa
Classification: Pathogenic. Last evaluated: 2025-05-12. Review status: criteria provided, single submitter. Criteria: DASA Assertion Criteria. Collection method: clinical testing. Allele origin: germline. Not counted in ClinVar's aggregate classification.
Comment: NM_000277.3(PAH):c.136G>A (p.Gly46Ser) is a missense variant that results in the substitution of glycine with serine. This variant has been observed in affected individuals with related phenotype in a genotype context consistent with recessive disease (PMID: 8829656; PMID: 11161839). Functional evidence supports a deleterious effect on the gene or gene product (PMID: 8829656; PMID: 11161839). This variant has been recurrently observed in individuals with related phenotype (PMID: 8829656; PMID: 11161839). The variant is present at low frequency in population datasets. Based on the available data, this variant is classified as pathogenic.

CeGaT Center for Human Genetics Tuebingen
Classification: Pathogenic. Last evaluated: 2024-10-01. Review status: criteria provided, single submitter. Criteria: CeGaT Center For Human Genetics Tuebingen Variant Classification Criteria Version 2. Collection method: clinical testing. Allele origin: germline. Affected: yes. Observed: 2 variant alleles. Not counted in ClinVar's aggregate classification.
Comment: PAH: PM3:Very Strong, PM2, PP4:Moderate, PS3:Supporting

Natera, Inc.
Classification: Pathogenic for Phenylketonuria. Last evaluated: 2024-05-24. Review status: criteria provided, single submitter. Criteria: Natera Variant Classification Schema (03/2026). Collection method: clinical testing. Allele origin: germline. Not counted in ClinVar's aggregate classification.
Comment: The c.136G>A variant in PAH is a missense variant predicted to cause substitution of glycine to serine at amino acid 46. This variant is rare in the general population with a frequency below the threshold expected for the associated phenotype(s). This variant has been observed in one or more individuals affected with the associated recessive disease, as either homozygous or compound heterozygous with a second variant (PMID: 26210745, 23500595). Given the available evidence, this variant is classified as Pathogenic.

Ambry Genetics
Classification: Pathogenic for Inborn genetic diseases. Last evaluated: 2022-02-07. Review status: criteria provided, single submitter. Criteria: Ambry Variant Classification Scheme 2023. Collection method: clinical testing. Allele origin: germline. Not counted in ClinVar's aggregate classification.
Comment: The c.136G>A (p.G46S) alteration is located in exon 2 (coding exon 2) of the PAH gene. This alteration results from a G to A substitution at nucleotide position 136, causing the glycine (G) at amino acid position 46 to be replaced by a serine (S). Based on data from gnomAD, the A allele has an overall frequency of 0.01% (21/282814) total alleles studied. The highest observed frequency was 0.02% (20/129138) of European (non-Finnish) alleles. This alteration has been detected in the homozygous state, and in the compound heterozygous state in conjunction with another pathogenic PAH mutation, in multiple unrelated individuals with phenylalanine hydroxylase (PAH) deficiency (Ferreira, 2021; Aldamiz-Echevarria, 2016; Bueno, 2013; Trunzo, 2015; Couce, 2013; Guldberg, 1993; Guldberg, 1998; Eiken, 1996). In vitro experimental studies show that the G46S alteration impacts protein function (Leandro, 2011; Eiken, 1996; Shi, 2012; Gjetting, 2001; Couce, 2013, Leandro, 2017). Based on the available evidence, this alteration is classified as pathogenic.

Fulgent Genetics
Classification: Pathogenic for Phenylketonuria. Last evaluated: 2022-01-15. Review status: criteria provided, single submitter. Criteria: ACMG Guidelines, 2015. Collection method: clinical testing. Allele origin: unknown. Not counted in ClinVar's aggregate classification.

Women's Health and Genetics/Laboratory Corporation of America, LabCorp
Classification: Pathogenic for Phenylketonuria. Last evaluated: 2018-11-19. Review status: criteria provided, single submitter. Criteria: LabCorp Variant Classification Summary - May 2015. Collection method: clinical testing. Allele origin: germline. Not counted in ClinVar's aggregate classification.
Comment: Variant summary: PAH c.136G>A (p.Gly46Ser) results in a non-conservative amino acid change located in the ACT domain (IPR002912) of the encoded protein sequence. Four of five in-silico tools predict a damaging effect of the variant on protein function. The variant allele was found at a frequency of 7.6e-05 in 277146 control chromosomes (gnomAD). This frequency is not higher than expected for a pathogenic variant in PAH causing Phenylalanine Hydroxylase Deficiency (Phenylketonuria) (7.6e-05 vs 0.0079), allowing no conclusion about variant significance. c.136G>A has been reported in the literature in multiple individuals affected with Phenylalanine Hydroxylase Deficiency (e.g. Bueno_2013, Eiken_1996). These data indicate that the variant is very likely to be associated with disease. Publications also reported experimental evidence evaluating an impact on protein function. The variant effect resulted in a smaller than 30% of normal activity (Bueno_2013, Eiken_1996). One clinical diagnostic laboratory has submitted clinical-significance assessments for this variant to ClinVar after 2014 without evidence for independent evaluation and classified the variant as pathogenic. Based on the evidence outlined above, the variant was classified as pathogenic.

OMIM
Classification: Pathogenic for PHENYLKETONURIA. Last evaluated: 1996-01-01. Review status: no assertion criteria provided. Collection method: literature only. Allele origin: germline. Not counted in ClinVar's aggregate classification.

DeBelle Laboratory for Biochemical Genetics, MUHC/MCH RESEARCH INSTITUTE
No classification provided. Review status: no classification provided. Collection method: not provided. Allele origin: not provided. Not counted in ClinVar's aggregate classification.

Literature cited by the submitters: PubMed 8829656 (cited by 6 submitters); PubMed 7556322 (cited by 4 submitters); PubMed 11161839 (cited by 4 submitters); PubMed 23514811 (cited by 4 submitters); PubMed 9634518 (cited by 3 submitters); PubMed 23500595 (cited by 4 submitters); PubMed 26210745 (cited by 4 submitters); PubMed 11326337 (cited by 3 submitters); PubMed 20937381 (cited by Labcorp Genetics (formerly Invitae), Labcorp and Ambry Genetics); PubMed 21953985 (cited by 3 submitters); PubMed 28174686 (cited by Labcorp Genetics (formerly Invitae), Labcorp and Ambry Genetics); PubMed 27121329 (cited by Mayo Clinic Laboratories, Mayo Clinic and Ambry Genetics); PubMed 33465300 (cited by Mayo Clinic Laboratories, Mayo Clinic and Ambry Genetics); PubMed 8406445 (cited by Ambry Genetics); PubMed 8831077 (cited by Women's Health and Genetics/Laboratory Corporation of America, LabCorp).

NM_000277.3(PAH):c.136G>A (p.Gly46Ser)

Gene: PAH (phenylalanine hydroxylase; minus strand). Cytogenetic location: 12q23.2.
Variant type: single nucleotide variant.
Coding change: c.136G>A on transcript NM_000277.3 (MANE Select); coding-DNA position 136, G replaced by A.
Protein change: p.Gly46Ser; replaces glycine 46 with serine.
Molecular consequence: missense variant.
Genome position (GRCh38, 1-based): chr12:102,912,823, C>T on the plus strand (G>A on the coding strand, the complement: PAH is on the minus strand). VCF-style: chr12-102912823-C-T. GRCh37 (hg19) VCF-style: chr12-103306601-C-T.
Other names: c.136G>A, p.Gly46Ser (NM_001354304.2); c.136G>A (NM_000277.2); short protein forms G46S.
Identifiers: ClinVar variation 629 (VCV000000629.114), dbSNP rs74603784, ClinGen allele CA229439.
Genomic context (GRCh38, chr12:102,912,823, plus strand): 5'-CCAAGACAAACATGATTGTAGCACTGACCTCAAATAAGCGCAATACTTTGGCCAATGCAC[C>T]AACTTCTTCTTTGAGTGAGAAGATCAGTGATATGGCACCATTTTGATTGCAGTTGTCTTC-3'
Protein context (NP_000268.1, residues 36-56): SLIFSLKEEV[Gly46Ser]ALAKVLRLFE